The following is an entry in ClinVar:

ClinVar aggregate classification (germline): Likely pathogenic (1 of 4 stars; one submission).

Conditions:
Marfan syndrome (MFS). Also called: FBN1-Related Marfan Syndrome; MARFAN SYNDROME, TYPE I; Marfan syndrome type 1; Marfan's syndrome; Marfan syndrome, classic. Identifiers: Orphanet 284963, Orphanet 558, MedGen C0024796, MONDO:0007947, OMIM 154700.
Familial thoracic aortic aneurysm and aortic dissection (TAAD). Also called: Thoracic aortic aneurysms and dissections. Identifiers: Orphanet 91387, MedGen C4707243, MONDO:0019625.

Submission:

Labcorp Genetics (formerly Invitae), Labcorp
Classification: Likely pathogenic for Marfan syndrome; Familial thoracic aortic aneurysm and aortic dissection. Last evaluated: 2025-02-19. Review status: criteria provided, single submitter. Criteria: Invitae Variant Classification Sherloc (09022015). Collection method: clinical testing. Allele origin: germline.
Comment: This sequence change replaces glycine, which is neutral and non-polar, with glutamic acid, which is acidic and polar, at codon 544 of the FBN1 protein (p.Gly544Glu). This variant is not present in population databases (gnomAD no frequency). This variant has not been reported in the literature in individuals affected with FBN1-related conditions. Invitae Evidence Modeling of protein sequence and biophysical properties (such as structural, functional, and spatial information, amino acid conservation, physicochemical variation, residue mobility, and thermodynamic stability) indicates that this missense variant is expected to disrupt FBN1 protein function with a positive predictive value of 95%. This variant disrupts the p.Gly544 amino acid residue in FBN1. Other variant(s) that disrupt this residue have been determined to be pathogenic (PMID: 19293843, 30087447; internal data). This suggests that this residue is clinically significant, and that variants that disrupt this residue are likely to be disease-causing. In summary, the currently available evidence indicates that the variant is pathogenic, but additional data are needed to prove that conclusively. Therefore, this variant has been classified as Likely Pathogenic.

Literature cited by the submitters: PubMed 19293843; PubMed 30087447.

NM_000138.5(FBN1):c.1631G>A (p.Gly544Glu)

Gene: FBN1 (fibrillin 1; minus strand). Cytogenetic location: 15q21.1.
Variant type: single nucleotide variant.
Coding change: c.1631G>A on transcript NM_000138.5 (MANE Select); coding-DNA position 1631, G replaced by A.
Protein change: p.Gly544Glu; replaces glycine 544 with glutamic acid.
Molecular consequence: missense variant.
Genome position (GRCh38, 1-based): chr15:48,510,127, C>T on the plus strand (G>A on the coding strand, the complement: FBN1 is on the minus strand). VCF-style: chr15-48510127-C-T. GRCh37 (hg19) VCF-style: chr15-48802324-C-T.
Other names: c.1631G>A, p.Gly544Glu (NM_001406716.1); short protein forms G544E.
Identifiers: ClinVar variation 4789670 (VCV004789670.1).